The following is an entry in ClinVar:

ClinVar aggregate classification (germline): Uncertain significance (1 of 4 stars; one submission).

Submission:

Labcorp Genetics (formerly Invitae), Labcorp
Classification: Uncertain significance. Last evaluated: 2022-02-22. Review status: criteria provided, single submitter. Criteria: Invitae Variant Classification Sherloc (09022015). Collection method: clinical testing. Allele origin: germline.
Comment: In summary, the available evidence is currently insufficient to determine the role of this variant in disease. Therefore, it has been classified as a Variant of Uncertain Significance. Algorithms developed to predict the effect of missense changes on protein structure and function are either unavailable or do not agree on the potential impact of this missense change (SIFT: "Deleterious"; PolyPhen-2: "Probably Damaging"; Align-GVGD: "Class C0"). This variant has not been reported in the literature in individuals affected with WDR62-related conditions. This variant is not present in population databases (gnomAD no frequency). This sequence change replaces valine, which is neutral and non-polar, with methionine, which is neutral and non-polar, at codon 221 of the WDR62 protein (p.Val221Met).

NM_001083961.2(WDR62):c.661G>A (p.Val221Met)

Gene: WDR62 (WD repeat domain 62; plus strand). Cytogenetic location: 19q13.12.
Variant type: single nucleotide variant.
Coding change: c.661G>A on transcript NM_001083961.2 (MANE Select); coding-DNA position 661, G replaced by A.
Protein change: p.Val221Met; replaces valine 221 with methionine.
Molecular consequence: missense variant.
Genome position (GRCh38, 1-based): chr19:36,067,405, G>A. VCF-style: chr19-36067405-G-A. GRCh37 (hg19) VCF-style: chr19-36558307-G-A.
Other names: c.661G>A, p.Val221Met (NM_001411147.1, NM_173636.5, NM_001411145.1 and 1 more transcripts); short protein forms V221M.
Identifiers: ClinVar variation 1934946 (VCV001934946.5), dbSNP rs2513449853, ClinGen allele CA405429075.